The following is an entry in ClinVar:

NM_015687.5(FILIP1):c.342T>C (p.His114=)

Genes: FILIP1 (filamin A interacting protein 1; minus strand), LOC126859714 (CDK7 strongly-dependent group 2 enhancer GRCh37_chr6:76071935-76073134; plus strand). Cytogenetic location: 6q14.1.
Variant type: single nucleotide variant.
Coding change: c.342T>C on transcript NM_015687.5 (MANE Select); coding-DNA position 342, T replaced by C.
Protein change: p.His114=; no amino-acid change (histidine 114 retained).
Molecular consequence: synonymous variant.
Genome position (GRCh38, 1-based): chr6:75,362,852, A>G on the plus strand (T>C on the coding strand, the complement: FILIP1 is on the minus strand). VCF-style: chr6-75362852-A-G. GRCh37 (hg19) VCF-style: chr6-76072568-A-G.
Other names: c.351T>C, p.His117= (NM_001289987.3); c.342T>C, p.His114= (NM_001300866.3).
Identifiers: ClinVar variation 4875237 (VCV004875237.2).

ClinVar aggregate classification (germline): Likely benign (1 of 4 stars; one submission).

gnomAD v4.1: 6 of 1,614,006 alleles (0.00037%); highest among the groups gnomAD compares: Admixed American, 0.0083%; no homozygotes.

Submission:

CeGaT Center for Human Genetics Tuebingen
Classification: Likely benign. Last evaluated: 2026-06-01. Review status: criteria provided, single submitter. Criteria: CeGaT Center For Human Genetics Tuebingen Variant Classification Criteria Version 2. Collection method: clinical testing. Allele origin: germline. Affected: yes. Observed: 1 variant allele.
Comment: FILIP1: BP4, BP7